The following is an entry in ClinVar:

ClinVar aggregate classification (germline): Uncertain significance (1 of 4 stars; one submission).

Conditions:
Cardiovascular phenotype. Identifiers: MedGen CN230736.

Submission:

Ambry Genetics
Classification: Uncertain significance for Cardiovascular phenotype. Last evaluated: 2025-11-10. Review status: criteria provided, single submitter. Criteria: Ambry Variant Classification Scheme 2023. Collection method: clinical testing. Allele origin: germline.
Comment: The p.C342R variant (also known as c.1024T>C), located in coding exon 4 of the SHOC2 gene, results from a T to C substitution at nucleotide position 1024. The cysteine at codon 342 is replaced by arginine, an amino acid with highly dissimilar properties. This amino acid position is conserved. In addition, this alteration is predicted to be deleterious by in silico analysis. Based on the available evidence, the clinical significance of this variant remains unclear.

NM_007373.4(SHOC2):c.1024T>C (p.Cys342Arg)

Gene: SHOC2 (SHOC2 leucine rich repeat scaffold protein; plus strand). Cytogenetic location: 10q25.2.
Variant type: single nucleotide variant.
Coding change: c.1024T>C on transcript NM_007373.4 (MANE Select); coding-DNA position 1024, T replaced by C.
Protein change: p.Cys342Arg; replaces cysteine 342 with arginine.
Molecular consequence: missense variant. On other transcripts: 5 prime UTR variant (3), non-coding transcript variant (1).
Genome position (GRCh38, 1-based): chr10:111,004,657, T>C. VCF-style: chr10-111004657-T-C. GRCh37 (hg19) VCF-style: chr10-112764415-T-C.
Other names: c.886T>C, p.Cys296Arg (NM_001269039.3, NM_001441186.1); c.1024T>C, p.Cys342Arg (NM_001324336.2, NM_001324337.2, NM_001441184.1 and 2 more transcripts); c.355T>C, p.Cys119Arg (NM_001441188.1); c.-60T>C (NM_001441189.1, NM_001441190.1, NM_001441191.1); short protein forms C342R, C119R, C296R.
Identifiers: ClinVar variation 4614946 (VCV004614946.1).